The following is an entry in ClinVar:

NM_015559.3(SETBP1):c.4762C>G (p.Arg1588Gly)

Gene: SETBP1 (SET binding protein 1; plus strand). Cytogenetic location: 18q12.3.
Variant type: single nucleotide variant.
Coding change: c.4762C>G on transcript NM_015559.3 (MANE Select); coding-DNA position 4762, C replaced by G.
Protein change: p.Arg1588Gly; replaces arginine 1588 with glycine.
Molecular consequence: missense variant.
Genome position (GRCh38, 1-based): chr18:45,063,669, C>G. VCF-style: chr18-45063669-C-G. GRCh37 (hg19) VCF-style: chr18-42643634-C-G.
Other names: c.4762C>G, p.Arg1588Gly (NM_001379141.1, NM_001379142.1); c.4591C>G, p.Arg1531Gly (NM_001410862.1); short protein forms R1531G, R1588G.
Identifiers: ClinVar variation 3360564 (VCV003360564.1).

ClinVar aggregate classification (germline): Uncertain significance (1 of 4 stars; one submission).

gnomAD v4.1: 1 of 1,608,682 alleles (0.000062%); no homozygotes.

Submission:

GeneDx
Classification: Uncertain significance. Last evaluated: 2023-06-28. Review status: criteria provided, single submitter. Criteria: GeneDx Variant Classification Process June 2021. Collection method: clinical testing. Allele origin: germline. Affected: yes.
Comment: Not observed at significant frequency in large population cohorts (gnomAD); In silico analysis supports that this missense variant does not alter protein structure/function; Has not been previously published as pathogenic or benign to our knowledge